The following is an entry in ClinVar:

NM_001277115.2(DNAH11):c.3380G>A (p.Trp1127Ter)

Genes: DNAH11 (dynein axonemal heavy chain 11; plus strand), LOC126859961 (BRD4-independent group 4 enhancer GRCh37_chr7:21639662-21640861; plus strand). Cytogenetic location: 7p15.3.
Variant type: single nucleotide variant.
Coding change: c.3380G>A on transcript NM_001277115.2 (MANE Select); coding-DNA position 3380, G replaced by A.
Protein change: p.Trp1127Ter; replaces tryptophan 1127 with a stop codon.
Molecular consequence: nonsense.
Genome position (GRCh38, 1-based): chr7:21,601,134, G>A. VCF-style: chr7-21601134-G-A. GRCh37 (hg19) VCF-style: chr7-21640752-G-A.
Other names: c.3380G>A, p.Trp1127Ter (NM_003777.3); short protein forms W1127*.
Identifiers: ClinVar variation 2874694 (VCV002874694.3), dbSNP rs2534633877, ClinGen allele CA366946410.
Genomic context (GRCh38, chr7:21,601,134, plus strand): 5'-GTTGGTTCAAGGTGGACATGAAGCCTTTCAAAGTGAGCTTGTTAACCATAATTAAGAAAT[G>A]GAGCTGGATGTTTCAGGAGCATCTTTTGAGATTTGTCATTGACAGGTAGCCTTTTACTTT-3'

ClinVar aggregate classification (germline): Pathogenic (1 of 4 stars; one submission).

Conditions:
Primary ciliary dyskinesia. Also called: Ciliary dyskinesia. Identifiers: Orphanet 244, MedGen C0008780, MONDO:0016575, HP:0012265.

Submission:

Labcorp Genetics (formerly Invitae), Labcorp
Classification: Pathogenic for Primary ciliary dyskinesia. Last evaluated: 2023-12-13. Review status: criteria provided, single submitter. Criteria: Invitae Variant Classification Sherloc (09022015). Collection method: clinical testing. Allele origin: germline.
Comment: This sequence change creates a premature translational stop signal (p.Trp1127*) in the DNAH11 gene. It is expected to result in an absent or disrupted protein product. Loss-of-function variants in DNAH11 are known to be pathogenic (PMID: 18022865, 20513915, 22184204). This variant is not present in population databases (gnomAD no frequency). This variant has not been reported in the literature in individuals affected with DNAH11-related conditions. Algorithms developed to predict the effect of sequence changes on RNA splicing suggest that this variant may disrupt the consensus splice site. For these reasons, this variant has been classified as Pathogenic.

Literature cited by the submitters: PubMed 18022865; PubMed 20513915; PubMed 22184204.